The following is an entry in ClinVar:

ClinVar aggregate classification (germline): Likely pathogenic (1 of 4 stars; one submission).

Conditions:
Joubert syndrome. Also called: CEREBELLOPARENCHYMAL DISORDER IV; JOUBERT-BOLTSHAUSER SYNDROME; Familial aplasia of the vermis. Identifiers: Orphanet 475, MedGen C5979921, MONDO:0018772.
Meckel-Gruber syndrome. Also called: DYSENCEPHALIA SPLANCHNOCYSTICA; GRUBER SYNDROME; Dysencephalia splachnocystica. Identifiers: Orphanet 564, MedGen C0265215, MONDO:0018921.

Allele frequency attached by ClinVar (database versions not stated): gnomAD exomes below 0.00001; ExAC 0.00001.
gnomAD v4.1: 1 of 1,607,850 alleles (0.000062%); highest among the groups gnomAD compares: South Asian, 0.0011%; no homozygotes.

Submission:

Labcorp Genetics (formerly Invitae), Labcorp
Classification: Likely pathogenic for Joubert syndrome; Meckel-Gruber syndrome. Last evaluated: 2021-12-17. Review status: criteria provided, single submitter. Criteria: Invitae Variant Classification Sherloc (09022015). Collection method: clinical testing. Allele origin: germline.
Comment: This sequence change affects a donor splice site in intron 3 of the TMEM67 gene. It is expected to disrupt RNA splicing. Variants that disrupt the donor or acceptor splice site typically lead to a loss of protein function (PMID: 16199547), and loss-of-function variants in TMEM67 are known to be pathogenic (PMID: 20232449, 23559409). This variant is present in population databases (rs759746440, gnomAD 0.003%). This variant has not been reported in the literature in individuals affected with TMEM67-related conditions. Algorithms developed to predict the effect of sequence changes on RNA splicing suggest that this variant may disrupt the consensus splice site. In summary, the currently available evidence indicates that the variant is pathogenic, but additional data are needed to prove that conclusively. Therefore, this variant has been classified as Likely Pathogenic.

Literature cited by the submitters: PubMed 16199547; PubMed 20232449; PubMed 23559409.

NM_153704.6(TMEM67):c.406+1G>A

Gene: TMEM67 (transmembrane protein 67; plus strand). Cytogenetic location: 8q22.1.
Variant type: single nucleotide variant.
Coding change: c.406+1G>A on transcript NM_153704.6 (MANE Select); the canonical splice donor site of the intron after coding-DNA position 406, G replaced by A.
Molecular consequence: splice donor variant.
Genome position (GRCh38, 1-based): chr8:93,758,577, G>A. VCF-style: chr8-93758577-G-A. GRCh37 (hg19) VCF-style: chr8-94770805-G-A.
Other names: c.29+1G>A (NM_001142301.1).
Identifiers: ClinVar variation 2147720 (VCV002147720.4), dbSNP rs759746440, ClinGen allele CA4807610.